The following is an entry in ClinVar:

ClinVar aggregate classification (germline): Uncertain significance (1 of 4 stars; one submission).

Conditions:
Skeletal overgrowth-craniofacial dysmorphism-hyperelastic skin-white matter lesions syndrome. Also called: SKELETAL OVERGROWTH WITH FACIAL DYSMORPHISM, HYPERELASTIC SKIN, WHITE MATTER LESIONS, AND NEUROLOGIC DETERIORATION; Kosaki overgrowth syndrome. Identifiers: Orphanet 477831, MedGen C4225270, MONDO:0014704, OMIM 616592.
Acroosteolysis-keloid-like lesions-premature aging syndrome. Also called: Premature aging syndrome, Penttinen type; Prematurely aged appearance, delayed bone maturation, acro-osteolysis, and brachydactyly; Progeroid syndrome, Penttinen type. Identifiers: Orphanet 363665, MedGen C1866182, MONDO:0011150, OMIM 601812.
Infantile myofibromatosis (IMF). Also called: Congenital generalized fibromatosis. Identifiers: Orphanet 2591, MedGen C0432284, MONDO:0016824.
Basal ganglia calcification, idiopathic, 4 (PFBC4). Also called: Familial Idiopathic Basal Ganglia Calcification 4; PRIMARY FAMILIAL BRAIN CALCIFICATION 4, AUTOSOMAL DOMINANT. Identifiers: Orphanet 1980, MedGen C3554321, MONDO:0014004, OMIM 615007.

gnomAD v4.1: 5 of 1,613,958 alleles (0.00031%); highest among the groups gnomAD compares: Admixed American, 0.0083%; no homozygotes.

Submission:

Labcorp Genetics (formerly Invitae), Labcorp
Classification: Uncertain significance for Basal ganglia calcification, idiopathic, 4; Skeletal overgrowth-craniofacial dysmorphism-hyperelastic skin-white matter lesions syndrome; Infantile myofibromatosis; Acroosteolysis-keloid-like lesions-premature aging syndrome. Last evaluated: 2026-02-03. Review status: criteria provided, single submitter. Criteria: Invitae Variant Classification Sherloc (09022015). Collection method: clinical testing. Allele origin: germline.
Comment: This sequence change replaces aspartic acid, which is acidic and polar, with glutamic acid, which is acidic and polar, at codon 299 of the PDGFRB protein (p.Asp299Glu). This variant is present in population databases (no rsID available, gnomAD 0.003%). This variant has not been reported in the literature in individuals affected with PDGFRB-related conditions. Invitae Evidence Modeling of protein sequence and biophysical properties (such as structural, functional, and spatial information, amino acid conservation, physicochemical variation, residue mobility, and thermodynamic stability) indicates that this missense variant is not expected to disrupt PDGFRB protein function with a negative predictive value of 80%. In summary, the available evidence is currently insufficient to determine the role of this variant in disease. Therefore, it has been classified as a Variant of Uncertain Significance.

NM_002609.4(PDGFRB):c.897C>A (p.Asp299Glu)

Gene: PDGFRB (platelet derived growth factor receptor beta; minus strand). Cytogenetic location: 5q32.
Variant type: single nucleotide variant.
Coding change: c.897C>A on transcript NM_002609.4 (MANE Select); coding-DNA position 897, C replaced by A.
Protein change: p.Asp299Glu; replaces aspartic acid 299 with glutamic acid.
Molecular consequence: missense variant.
Genome position (GRCh38, 1-based): chr5:150,133,623, G>T on the plus strand (C>A on the coding strand, the complement: PDGFRB is on the minus strand). VCF-style: chr5-150133623-G-T. GRCh37 (hg19) VCF-style: chr5-149513186-G-T.
Other names: c.705C>A, p.Asp235Glu (NM_001355016.2); c.414C>A, p.Asp138Glu (NM_001355017.2); short protein forms D235E, D299E, D138E.
Identifiers: ClinVar variation 4790641 (VCV004790641.1).